The following is an entry in ClinVar:

ClinVar aggregate classification (germline): Uncertain significance. Review status: criteria provided, multiple submitters, no conflicts (2 of 4 stars). 2 submissions from 2 submitters: Uncertain significance (2). Last evaluated 2025-05-03.

Conditions:
Cardiovascular phenotype. Identifiers: MedGen CN230736.
Hereditary cancer-predisposing syndrome. Also called: Hereditary neoplastic syndrome; Tumor predisposition; Neoplastic Syndromes, Hereditary; Hereditary Cancer Syndrome. Identifiers: Orphanet 140162, MedGen C0027672, MeSH D009386, MONDO:0015356.
Neurofibromatosis, type 1 (NF1). Also called: Neurofibromatosis, type I; VON RECKLINGHAUSEN DISEASE; NEUROFIBROMATOSIS, TYPE I, SOMATIC; Peripheral type neurofibromatosis. Identifiers: Orphanet 636, MedGen C0027831, MONDO:0018975, OMIM 162200. Disease mechanism: loss of function.

Allele frequency attached by ClinVar (database versions not stated): gnomAD exomes below 0.00001; ExAC 0.00001; TOPMed 0.00001.
gnomAD v4.1: 1 of 1,613,956 alleles (0.000062%); highest among the groups gnomAD compares: Non-Finnish European, 0.000085%; no homozygotes.

Submissions (2):

Ambry Genetics
Classification: Uncertain significance for Cardiovascular phenotype; Hereditary cancer-predisposing syndrome. Last evaluated: 2025-05-03. Review status: criteria provided, single submitter. Criteria: Ambry Variant Classification Scheme 2023. Collection method: clinical testing. Allele origin: germline.
Comment: The p.D1469E variant (also known as c.4407T>A), located in coding exon 33 of the NF1 gene, results from a T to A substitution at nucleotide position 4407. The aspartic acid at codon 1469 is replaced by glutamic acid, an amino acid with highly similar properties. This amino acid position is highly conserved in available vertebrate species. In addition, the in silico prediction for this alteration is inconclusive. Based on the available evidence, the clinical significance of this variant remains unclear.

Labcorp Genetics (formerly Invitae), Labcorp
Classification: Uncertain significance for Neurofibromatosis, type 1. Last evaluated: 2024-12-08. Review status: criteria provided, single submitter. Criteria: Invitae Variant Classification Sherloc (09022015). Collection method: clinical testing. Allele origin: germline.
Comment: This sequence change replaces aspartic acid, which is acidic and polar, with glutamic acid, which is acidic and polar, at codon 1469 of the NF1 protein (p.Asp1469Glu). This variant is not present in population databases (gnomAD no frequency). This variant has not been reported in the literature in individuals affected with NF1-related conditions. ClinVar contains an entry for this variant (Variation ID: 1471705). Invitae Evidence Modeling of protein sequence and biophysical properties (such as structural, functional, and spatial information, amino acid conservation, physicochemical variation, residue mobility, and thermodynamic stability) has been performed for this missense variant. However, the output from this modeling did not meet the statistical confidence thresholds required to predict the impact of this variant on NF1 protein function. In summary, the available evidence is currently insufficient to determine the role of this variant in disease. Therefore, it has been classified as a Variant of Uncertain Significance.

NM_001042492.3(NF1):c.4470T>A (p.Asp1490Glu)

Gene: NF1 (neurofibromin 1; plus strand). Cytogenetic location: 17q11.2.
Variant type: single nucleotide variant.
Coding change: c.4470T>A on transcript NM_001042492.3 (MANE Select); coding-DNA position 4470, T replaced by A.
Protein change: p.Asp1490Glu; replaces aspartic acid 1490 with glutamic acid.
Molecular consequence: missense variant.
Genome position (GRCh38, 1-based): chr17:31,260,408, T>A. VCF-style: chr17-31260408-T-A. GRCh37 (hg19) VCF-style: chr17-29587426-T-A.
Other names: c.4407T>A, p.Asp1469Glu (NM_000267.4); short protein forms D1469E, D1490E.
Identifiers: ClinVar variation 1471705 (VCV001471705.7), dbSNP rs745678532, ClinGen allele CA8486427.